The following is an entry in ClinVar:

NM_001927.4(DES):c.336_344del (p.Gln113_Leu115del)

Gene: DES (desmin; plus strand). Cytogenetic location: 2q35.
Variant type: Deletion.
Coding change: c.336_344del on transcript NM_001927.4 (MANE Select); coding-DNA positions 336 to 344, 9 bases deleted (GCAGGAGCT; older notation c.336_344delGCAGGAGCT).
Protein change: p.Gln113_Leu115del.
Molecular consequence: inframe deletion.
Genome position (GRCh38, 1-based): chr2:219,418,798-219,418,806, GCAGGAGCT deleted; deleting any 9 consecutive bases within chr2:219,418,792-219,418,806 gives the same sequence; the c. name uses the placement nearest the transcript's 3' end. VCF-style (leftmost placement, unchanged base first): chr2-219418791-TGGAGCTGCA-T. GRCh37 (hg19) VCF-style: chr2-220283513-TGGAGCTGCA-T.
Identifiers: ClinVar variation 548445 (VCV000548445.4), dbSNP rs1553603239, ClinGen allele CA658821235.

ClinVar aggregate classification (germline): Pathogenic (0 of 4 stars; one submission).

Conditions:
Desmin-related myofibrillar myopathy (MFM1). Also called: MYOFIBRILLAR MYOPATHY WITH ARRHYTHMOGENIC RIGHT VENTRICULAR CARDIOMYOPATHY; DESMIN-RELATED MYOPATHY WITH ARRHYTHMOGENIC RIGHT VENTRICULAR CARDIOMYOPATHY; Desminopathy; Desmin related myopathy (former name); Desmin storage myopathy (former name); Myofibrillar myopathy 1. Identifiers: Orphanet 363543, Orphanet 98909, MedGen C1832370, MONDO:0011076, OMIM 601419.

Submission:

Petrovsky National Research Centre of Surgery, The Federal Agency for Scientific Organizations
Classification: Pathogenic for Desmin-related myofibrillar myopathy. Last evaluated: 2016-10-11. Review status: no assertion criteria provided. Collection method: clinical testing. Allele origin: inherited. Inheritance: Autosomal dominant inheritance. Observed: 1 variant allele, 1 heterozygote.
Comment: The diagnosis of desminopathy was established after detection of c.336_344del in DES gene. Clinical case was published originally in article (Blagova O.V., Nedostup A.V., Sedov V.P., Kogan E.A., Shestak A.G., Polyak M.E., Zaklyazminskaya E.V. Clin. Experiment. Surg. Petrovsky J. 2017; 5 (3): 34â€“48.)